The following is an entry in ClinVar:

NM_053025.4(MYLK):c.1054G>A (p.Val352Ile)

Gene: MYLK (myosin light chain kinase; minus strand). Cytogenetic location: 3q21.1.
Variant type: single nucleotide variant.
Coding change: c.1054G>A on transcript NM_053025.4 (MANE Select); coding-DNA position 1054, G replaced by A.
Protein change: p.Val352Ile; replaces valine 352 with isoleucine.
Molecular consequence: missense variant.
Genome position (GRCh38, 1-based): chr3:123,733,942, C>T on the plus strand (G>A on the coding strand, the complement: MYLK is on the minus strand). VCF-style: chr3-123733942-C-T. GRCh37 (hg19) VCF-style: chr3-123452789-C-T.
Other names: c.526G>A, p.Val176Ile (NM_001321309.2); c.1054G>A, p.Val352Ile (NM_053026.4, NM_053027.4, NM_053028.4); short protein forms V176I, V352I.
Identifiers: ClinVar variation 1315655 (VCV001315655.2), dbSNP rs2062583745, ClinGen allele CA354239600.

ClinVar aggregate classification (germline): Uncertain significance (1 of 4 stars; one submission).

Allele frequency attached by ClinVar (database versions not stated): gnomAD exomes below 0.00001; gnomAD 0.00001.
gnomAD v4.1: 3 of 1,614,078 alleles (0.00019%); highest among the groups gnomAD compares: South Asian, 0.0011%; no homozygotes.

Submission:

GeneDx
Classification: Uncertain significance. Last evaluated: 2019-05-06. Review status: criteria provided, single submitter. Criteria: GeneDx Variant Classification Process June 2021. Collection method: clinical testing. Allele origin: germline. Affected: yes.
Comment: Has not been previously published as pathogenic or benign to our knowledge; Not observed in large population cohorts (Lek et al., 2016); In silico analysis, which includes protein predictors and evolutionary conservation, supports that this variant does not alter protein structure/function